The following is an entry in ClinVar:

NM_014822.4(SEC24D):c.2350G>A (p.Ala784Thr)

Gene: SEC24D (SEC24 homolog D, COPII coat complex component; minus strand). Cytogenetic location: 4q26.
Variant type: single nucleotide variant.
Coding change: c.2350G>A on transcript NM_014822.4 (MANE Select); coding-DNA position 2350, G replaced by A.
Protein change: p.Ala784Thr; replaces alanine 784 with threonine.
Molecular consequence: missense variant.
Genome position (GRCh38, 1-based): chr4:118,739,176, C>T on the plus strand (G>A on the coding strand, the complement: SEC24D is on the minus strand). VCF-style: chr4-118739176-C-T. GRCh37 (hg19) VCF-style: chr4-119660331-C-T.
Other names: c.2353G>A, p.Ala785Thr (NM_001318066.2); short protein forms A784T, A785T.
Identifiers: ClinVar variation 1359263 (VCV001359263.7), dbSNP rs767462952, ClinGen allele CA3057005.
Genomic context (GRCh38, chr4:118,739,176, plus strand): 5'-GTTTACTGAACCTCAGGATTGGCAAAGTGTTACCTGACTTGGCAAAGAAGTTGATAAGAG[C>T]ATCTGTCTCACAGCTCTTATAAAGATCAGCTAGCTGAGAGCTGCAGTTTAAGCCAAGATT-3'
Protein context (NP_055637.2, residues 774-794): ADLYKSCETD[Ala784Thr]LINFFAKSAF

ClinVar aggregate classification (germline): Uncertain significance (1 of 4 stars; one submission).

Allele frequency attached by ClinVar (database versions not stated): gnomAD 0.00001; gnomAD exomes 0.00002 and 0.00006; ExAC 0.00005.
gnomAD v4.1: 36 of 1,613,468 alleles (0.0022%); highest among the groups gnomAD compares: South Asian, 0.038%; no homozygotes.

Submission:

Labcorp Genetics (formerly Invitae), Labcorp
Classification: Uncertain significance. Last evaluated: 2022-05-30. Review status: criteria provided, single submitter. Criteria: Invitae Variant Classification Sherloc (09022015). Collection method: clinical testing. Allele origin: germline.
Comment: In summary, the available evidence is currently insufficient to determine the role of this variant in disease. Therefore, it has been classified as a Variant of Uncertain Significance. Algorithms developed to predict the effect of missense changes on protein structure and function are either unavailable or do not agree on the potential impact of this missense change (SIFT: "Not Available"; PolyPhen-2: "Benign"; Align-GVGD: "Not Available"). ClinVar contains an entry for this variant (Variation ID: 1359263). This variant has not been reported in the literature in individuals affected with SEC24D-related conditions. This variant is present in population databases (rs767462952, gnomAD 0.05%). This sequence change replaces alanine, which is neutral and non-polar, with threonine, which is neutral and polar, at codon 784 of the SEC24D protein (p.Ala784Thr).